The following is an entry in ClinVar:

ClinVar aggregate classification (germline): Uncertain significance (1 of 4 stars; one submission).

Conditions:
Atrioventricular septal defect 4 (AVSD4). Identifiers: MedGen C3280781, MONDO:0013747, OMIM 614430.

Allele frequency attached by ClinVar (database versions not stated): gnomAD exomes below 0.00001.

Submission:

Labcorp Genetics (formerly Invitae), Labcorp
Classification: Uncertain significance for Atrioventricular septal defect 4. Last evaluated: 2022-05-31. Review status: criteria provided, single submitter. Criteria: Invitae Variant Classification Sherloc (09022015). Collection method: clinical testing. Allele origin: germline.
Comment: This variant has not been reported in the literature in individuals affected with GATA4-related conditions. This variant is not present in population databases (gnomAD no frequency). This sequence change replaces alanine, which is neutral and non-polar, with threonine, which is neutral and polar, at codon 177 of the GATA4 protein (p.Ala177Thr). Algorithms developed to predict the effect of missense changes on protein structure and function (SIFT, PolyPhen-2, Align-GVGD) all suggest that this variant is likely to be tolerated. In summary, the available evidence is currently insufficient to determine the role of this variant in disease. Therefore, it has been classified as a Variant of Uncertain Significance.

NM_001308093.3(GATA4):c.529G>A (p.Ala177Thr)

Gene: GATA4 (GATA binding protein 4). Cytogenetic location: 8p23.1.
Variant type: single nucleotide variant.
Coding change: c.529G>A on transcript NM_001308093.3 (MANE Select); coding-DNA position 529, G replaced by A.
Protein change: p.Ala177Thr; replaces alanine 177 with threonine.
Molecular consequence: missense variant. On other transcripts: intron variant (3).
Genome position (GRCh38, 1-based): chr8:11,708,841, G>A. VCF-style: chr8-11708841-G-A. GRCh37 (hg19) VCF-style: chr8-11566350-G-A.
Other names: c.529G>A, p.Ala177Thr (NM_002052.5); c.-6+8063G>A (NM_001308094.2); c.-3+827G>A (NM_001374274.1); c.-3+4537G>A (NM_001374273.1); short protein forms A177T.
Identifiers: ClinVar variation 1952598 (VCV001952598.5), dbSNP rs2486782408, ClinGen allele CA370309817.